The following is an entry in ClinVar:

NM_004897.5(MINPP1):c.992T>G (p.Ile331Ser)

Gene: MINPP1 (multiple inositol-polyphosphate phosphatase 1; plus strand). Cytogenetic location: 10q23.2.
Variant type: single nucleotide variant.
Coding change: c.992T>G on transcript NM_004897.5 (MANE Select); coding-DNA position 992, T replaced by G.
Protein change: p.Ile331Ser; replaces isoleucine 331 with serine.
Molecular consequence: missense variant. On other transcripts: intron variant (1).
Genome position (GRCh38, 1-based): chr10:87,521,094, T>G. VCF-style: chr10-87521094-T-G. GRCh37 (hg19) VCF-style: chr10-89280851-T-G.
Other names: p.Ile331Ser; c.389T>G, p.Ile130Ser (NM_001178118.2); c.835+12561T>G (NM_001178117.2); short protein forms I331S, I130S.
Identifiers: ClinVar variation 1285624 (VCV001285624.7), dbSNP rs749643952, ClinGen allele CA377784761.

ClinVar aggregate classification (germline): Conflicting classifications of pathogenicity. Review status: criteria provided, conflicting classifications (1 of 4 stars). 5 submissions from 5 submitters: Pathogenic (2); Likely pathogenic (1); Uncertain significance (1). 1 of the submissions does not count toward it. Last evaluated 2024-01-09.

Conditions:
Pontocerebellar hypoplasia, type 16. Identifiers: MedGen C5561987, MONDO:0030438, OMIM 619527.

gnomAD v4.1: 2 of 1,546,186 alleles (0.00013%); highest among the groups gnomAD compares: South Asian, 0.0022%; no homozygotes.

Submissions (5):

Foundation for Research in Genetics and Endocrinology, FRIGE's Institute of Human Genetics
Classification: Uncertain significance for Pontocerebellar hypoplasia, type 16. Last evaluated: 2024-01-09. Review status: criteria provided, single submitter. Criteria: ACMG Guidelines, 2015. Collection method: clinical testing. Allele origin: germline. Inheritance: Autosomal recessive inheritance. Affected: yes. Observed: 1 homozygote.
Comment: A homozygous missense variant in exon 4 of the MINPP1 gene that results in the amino acid substitution of Serine for Isoleucine at codon 331 (p.Ile331Ser) was detected. The observed variant has previously been reported in patients state affected with Pontocerebellar hypoplasia [PMID:33168985]. This variant has not been reported in the 1000 genomes, gnomAD (v3.1), gnomAD (v2.1) and topmed databases. The in silico prediction of the variant are probably damaging by PolyPhen-2 (HumDiv), SIFT and LRT. The reference codon is conserved across species. In summary, the variant meets our criteria to be classified as variant of uncertain significance.

Department of Genetics, Sultan Qaboos University Hospital
Classification: Pathogenic for Pontocerebellar hypoplasia, type 16. Last evaluated: 2022-06-30. Review status: criteria provided, single submitter. Criteria: ACMG Guidelines, 2015. Collection method: clinical testing. Allele origin: germline.

Institute of Human Genetics, University of Leipzig Medical Center
Classification: Likely pathogenic for Pontocerebellar hypoplasia, type 16. Last evaluated: 2021-03-29. Review status: criteria provided, single submitter. Criteria: ACMG Guidelines, 2015. Collection method: research. Allele origin: germline. Affected: yes.

Neuberg Centre For Genomic Medicine, NCGM
Classification: Pathogenic for Pontocerebellar hypoplasia, type 16. Review status: criteria provided, single submitter. Criteria: ACMG Guidelines, 2015. Collection method: clinical testing. Allele origin: germline. Inheritance: Autosomal recessive inheritance. Affected: yes.
Comment: The observed missense variant c.992T>G(p.Ile331Ser) in gene has been reported previously in homozygous or compound heterozygous state in individual(s) affected with Pontocerebellar hypoplasia (Appelhof et al., 2021). This variant is absent in gnomAD Exomes. This variant has been reported to the ClinVar database as Likely Pathogenic / Pathogenic. The amino acid Ile at position 331 is changed to a Ser changing protein sequence and it might alter its composition and physico-chemical properties. The amino acid change p.Ile331Ser in MINPP1 is predicted as conserved by GERP++ and PhyloP across 100 vertebrates. The variant is predicted as damaging by SIFT. For these reasons, this variant has been classified as Pathogenic.

OMIM
Classification: Pathogenic for PONTOCEREBELLAR HYPOPLASIA, TYPE 16. Last evaluated: 2021-09-23. Review status: no assertion criteria provided. Collection method: literature only. Allele origin: germline. Not counted in ClinVar's aggregate classification.

Literature cited by the submitters: PubMed 33168985 (cited by Institute of Human Genetics, University of Leipzig Medical Center and OMIM).